The following is an entry in ClinVar:

NM_006231.4(POLE):c.4313T>C (p.Leu1438Pro)

Gene: POLE (DNA polymerase epsilon, catalytic subunit; minus strand). Cytogenetic location: 12q24.33.
Variant type: single nucleotide variant.
Coding change: c.4313T>C on transcript NM_006231.4 (MANE Select); coding-DNA position 4313, T replaced by C.
Protein change: p.Leu1438Pro; replaces leucine 1438 with proline.
Molecular consequence: missense variant.
Genome position (GRCh38, 1-based): chr12:132,643,538, A>G on the plus strand (T>C on the coding strand, the complement: POLE is on the minus strand). VCF-style: chr12-132643538-A-G. GRCh37 (hg19) VCF-style: chr12-133220124-A-G.
Other names: c.4313T>C (NM_006231.2); short protein forms L1438P.
Identifiers: ClinVar variation 3659053 (VCV003659053.3).
Genomic context (GRCh38, chr12:132,643,538, plus strand): 5'-CAGCCTGAAAGGTGCCTCACCAGCTGTTTATTGACCACACACACACAGCCCAGGTGCACC[A>G]GGGCCCGGAACAGTAACGGAACCTGGAAGAATCGGGCAGACAGGCCGGCAAGGGCTGGAT-3'
Protein context (NP_006222.2, residues 1428-1448): ETQVPLLFRA[Leu1438Pro]VHLGCVCVVN

ClinVar aggregate classification (germline): Uncertain significance. Review status: criteria provided, multiple submitters, no conflicts (2 of 4 stars). 2 submissions from 2 submitters: Uncertain significance (2). Last evaluated 2025-02-24.

Conditions:
Hereditary cancer-predisposing syndrome. Also called: Hereditary Cancer Syndrome; Tumor predisposition; Hereditary neoplastic syndrome; Neoplastic Syndromes, Hereditary. Identifiers: Orphanet 140162, MedGen C0027672, MeSH D009386, MONDO:0015356.

gnomAD v4.1: 1 of 1,614,132 alleles (0.000062%); highest among the groups gnomAD compares: African/African-American, 0.0013%; no homozygotes.

Submissions (2):

Ambry Genetics
Classification: Uncertain significance for Hereditary cancer-predisposing syndrome. Last evaluated: 2025-02-24. Review status: criteria provided, single submitter. Criteria: Ambry Variant Classification Scheme 2023. Collection method: clinical testing. Allele origin: germline.
Comment: The p.L1438P variant (also known as c.4313T>C), located in coding exon 34 of the POLE gene, results from a T to C substitution at nucleotide position 4313. The leucine at codon 1438 is replaced by proline, an amino acid with similar properties. This amino acid position is conserved. In addition, the in silico prediction for this alteration is inconclusive. Based on the available evidence, the clinical significance of this variant remains unclear.

Labcorp Genetics (formerly Invitae), Labcorp
Classification: Uncertain significance. Last evaluated: 2024-07-09. Review status: criteria provided, single submitter. Criteria: Invitae Variant Classification Sherloc (09022015). Collection method: clinical testing. Allele origin: germline.
Comment: This sequence change replaces leucine, which is neutral and non-polar, with proline, which is neutral and non-polar, at codon 1438 of the POLE protein (p.Leu1438Pro). This variant is not present in population databases (gnomAD no frequency). This variant has not been reported in the literature in individuals affected with POLE-related conditions. Advanced modeling of protein sequence and biophysical properties (such as structural, functional, and spatial information, amino acid conservation, physicochemical variation, residue mobility, and thermodynamic stability) performed at Invitae indicates that this missense variant is expected to disrupt POLE protein function with a positive predictive value of 80%. In summary, the available evidence is currently insufficient to determine the role of this variant in disease. Therefore, it has been classified as a Variant of Uncertain Significance.